The following is an entry in ClinVar:

NM_005216.5(DDOST):c.10A>G (p.Ser4Gly)

Gene: DDOST (dolichyl-diphosphooligosaccharide--protein glycosyltransferase non-catalytic subunit; minus strand). Cytogenetic location: 1p36.12.
Variant type: single nucleotide variant.
Coding change: c.10A>G on transcript NM_005216.5 (MANE Select); coding-DNA position 10, A replaced by G.
Protein change: p.Ser4Gly; replaces serine 4 with glycine.
Molecular consequence: missense variant.
Genome position (GRCh38, 1-based): chr1:20,661,341, T>C on the plus strand (A>G on the coding strand, the complement: DDOST is on the minus strand). VCF-style: chr1-20661341-T-C. GRCh37 (hg19) VCF-style: chr1-20987834-T-C.
Other names: c.61A>G (NM_005216.4); short protein forms S4G.
Identifiers: ClinVar variation 1449294 (VCV001449294.9), dbSNP rs1166127455, ClinGen allele CA338856697.

ClinVar aggregate classification (germline): Conflicting classifications of pathogenicity. Review status: criteria provided, conflicting classifications (1 of 4 stars). 2 submissions from 2 submitters: Uncertain significance (1); Likely benign (1). Last evaluated 2024-10-08.

Conditions:
Congenital disorder of glycosylation type Ir (CDG1R). Also called: DDOST-congenital disorder of glycosylation. Identifiers: Orphanet 300536, MedGen C3281084, MONDO:0013789, OMIM 614507.

Allele frequency attached by ClinVar (database versions not stated): gnomAD 0.00001.
gnomAD v4.1: 3 of 1,612,774 alleles (0.00019%); highest among the groups gnomAD compares: Admixed American, 0.005%; no homozygotes.

Submissions (2):

Ambry Genetics
Classification: Likely benign. Last evaluated: 2024-10-08. Review status: criteria provided, single submitter. Criteria: Ambry Variant Classification Scheme 2023. Collection method: clinical testing. Allele origin: germline.

Labcorp Genetics (formerly Invitae), Labcorp
Classification: Uncertain significance for Congenital disorder of glycosylation type Ir. Last evaluated: 2020-12-03. Review status: criteria provided, single submitter. Criteria: Invitae Variant Classification Sherloc (09022015). Collection method: clinical testing. Allele origin: germline.
Comment: In summary, the available evidence is currently insufficient to determine the role of this variant in disease. Therefore, it has been classified as a Variant of Uncertain Significance. Algorithms developed to predict the effect of missense changes on protein structure and function output the following: SIFT: "Tolerated"; PolyPhen-2: "Benign"; Align-GVGD: "Class C0". The glycine amino acid residue is found in multiple mammalian species, suggesting that this missense change does not adversely affect protein function. These predictions have not been confirmed by published functional studies and their clinical significance is uncertain. This variant has not been reported in the literature in individuals with DDOST-related conditions. This variant is not present in population databases (ExAC no frequency). This sequence change replaces serine with glycine at codon 21 of the DDOST protein (p.Ser21Gly). The serine residue is weakly conserved and there is a small physicochemical difference between serine and glycine.